The following is an entry in ClinVar:

NM_006514.4(SCN10A):c.4720G>A (p.Val1574Ile)

Gene: SCN10A (sodium voltage-gated channel alpha subunit 10; minus strand). Cytogenetic location: 3p22.2.
Variant type: single nucleotide variant.
Coding change: c.4720G>A on transcript NM_006514.4 (MANE Select); coding-DNA position 4720, G replaced by A.
Protein change: p.Val1574Ile; replaces valine 1574 with isoleucine.
Molecular consequence: missense variant.
Genome position (GRCh38, 1-based): chr3:38,698,500, C>T on the plus strand (G>A on the coding strand, the complement: SCN10A is on the minus strand). VCF-style: chr3-38698500-C-T. GRCh37 (hg19) VCF-style: chr3-38739991-C-T.
Other names: c.4717G>A, p.Val1573Ile (NM_001293306.2); c.4426G>A, p.Val1476Ile (NM_001293307.2); c.4720G>A (NM_006514.2); short protein forms V1573I, V1574I, V1476I.
Identifiers: ClinVar variation 961483 (VCV000961483.10), dbSNP rs1293275271, ClinGen allele CA352155865.

ClinVar aggregate classification (germline): Uncertain significance. Review status: criteria provided, multiple submitters, no conflicts (2 of 4 stars). 3 submissions from 3 submitters: Uncertain significance (3). Last evaluated 2025-03-03.

Conditions:
Cardiovascular phenotype. Identifiers: MedGen CN230736.
Brugada syndrome. Also called: Sudden unexpected nocturnal death syndrome; Sudden Unexplained Death Syndrome; Sudden Unexplained Nocturnal Death Syndrome (SUNDS); Sudden unexplained nocturnal death syndrome. Identifiers: Orphanet 130, MedGen C1142166, MONDO:0015263.

gnomAD v4.1: 1 of 1,614,162 alleles (0.000062%); highest among the groups gnomAD compares: Non-Finnish European, 0.000085%; no homozygotes.

Submissions (3):

Ambry Genetics
Classification: Uncertain significance for Cardiovascular phenotype. Last evaluated: 2025-03-03. Review status: criteria provided, single submitter. Criteria: Ambry Variant Classification Scheme 2023. Collection method: clinical testing. Allele origin: germline.

Labcorp Genetics (formerly Invitae), Labcorp
Classification: Uncertain significance for Brugada syndrome. Last evaluated: 2022-02-10. Review status: criteria provided, single submitter. Criteria: Invitae Variant Classification Sherloc (09022015). Collection method: clinical testing. Allele origin: germline.
Comment: This variant is not present in population databases (gnomAD no frequency). This variant has not been reported in the literature in individuals affected with SCN10A-related conditions. ClinVar contains an entry for this variant (Variation ID: 961483). This sequence change replaces valine, which is neutral and non-polar, with isoleucine, which is neutral and non-polar, at codon 1574 of the SCN10A protein (p.Val1574Ile). In summary, the available evidence is currently insufficient to determine the role of this variant in disease. Therefore, it has been classified as a Variant of Uncertain Significance. Advanced modeling of protein sequence and biophysical properties (such as structural, functional, and spatial information, amino acid conservation, physicochemical variation, residue mobility, and thermodynamic stability) performed at Invitae indicates that this missense variant is expected to disrupt SCN10A protein function.

GeneDx
Classification: Uncertain significance. Last evaluated: 2021-05-06. Review status: criteria provided, single submitter. Criteria: GeneDx Variant Classification Process June 2021. Collection method: clinical testing. Allele origin: germline. Affected: yes.
Comment: Has not been previously published as pathogenic or benign to our knowledge; Not observed in large population cohorts (Lek et al., 2016); In silico analysis, which includes protein predictors and evolutionary conservation, supports that this variant does not alter protein structure/function